The following is an entry in ClinVar:

NM_001267550.2(TTN):c.52890C>A (p.Thr17630=)

Genes: TTN (titin; minus strand), TTN-AS1 (TTN antisense RNA 1; plus strand), LOC126806425 (BRD4-independent group 4 enhancer GRCh37_chr2:179471933-179473132; plus strand). Cytogenetic location: 2q31.2.
Variant type: single nucleotide variant.
Coding change: c.52890C>A on transcript NM_001267550.2 (MANE Select); coding-DNA position 52890, C replaced by A.
Protein change: p.Thr17630=; no amino-acid change (threonine 17630 retained).
Molecular consequence: synonymous variant.
Genome position (GRCh38, 1-based): chr2:178,607,897, G>T on the plus strand (C>A on the coding strand, the complement: TTN is on the minus strand). VCF-style: chr2-178607897-G-T. GRCh37 (hg19) VCF-style: chr2-179472624-G-T.
Other names: c.47967C>A, p.Thr15989= (NM_001256850.1); c.25695C>A, p.Thr8565= (NM_003319.4); c.45186C>A, p.Thr15062= (NM_133378.4); c.26070C>A, p.Thr8690= (NM_133432.3); c.26271C>A, p.Thr8757= (NM_133437.4).
Identifiers: ClinVar variation 4823248 (VCV004823248.4).

ClinVar aggregate classification (germline): Likely benign (1 of 4 stars; one submission).

Submission:

CeGaT Center for Human Genetics Tuebingen
Classification: Likely benign. Last evaluated: 2026-06-01. Review status: criteria provided, single submitter. Criteria: CeGaT Center For Human Genetics Tuebingen Variant Classification Criteria Version 2. Collection method: clinical testing. Allele origin: germline. Affected: yes. Observed: 1 variant allele.
Comment: TTN: PM2:Supporting, BP4, BP7